The following is an entry in ClinVar:

ClinVar aggregate classification (germline): Uncertain significance. Review status: criteria provided, multiple submitters, no conflicts (2 of 4 stars). 3 submissions from 3 submitters: Uncertain significance (3). Last evaluated 2026-05-06.

Conditions:
Hereditary cancer-predisposing syndrome. Also called: Hereditary neoplastic syndrome; Neoplastic Syndromes, Hereditary; Tumor predisposition; Hereditary Cancer Syndrome. Identifiers: Orphanet 140162, MedGen C0027672, MeSH D009386, MONDO:0015356.
Birt-Hogg-Dube syndrome 1 (BHD1). Also called: FIBROFOLLICULOMAS WITH TRICHODISCOMAS AND ACROCHORDONS. Identifiers: Orphanet 122, MedGen CN375946, MONDO:0800445, OMIM 135150.

Submissions (3):

Clinical Genomics Laboratory, Washington University in St. Louis
Classification: Uncertain significance for Birt-Hogg-Dube syndrome 1. Last evaluated: 2026-05-06. Review status: criteria provided, single submitter. Criteria: ACMG Guidelines, 2015. Collection method: clinical testing. Allele origin: germline.
Comment: The FLCN c.1055T>G (p.Met352Arg) variant, to our knowledge, has not been reported in the medical literature. This variant has been reported in the ClinVar database as a germline variant of uncertain significance by two submitters. This variant is absent from the general population (gnomAD v2.1.1), indicating it is not a common variant. Computational predictors indicate that the variant is damaging, evidence that correlates with impact to FLCN function. Due to limited information, and based on ACMG/AMP guidelines for variant interpretation (Richards S et al., PMID: 25741868), the clinical significance of this variant is uncertain at this time.

Ambry Genetics
Classification: Uncertain significance for Hereditary cancer-predisposing syndrome. Last evaluated: 2025-07-12. Review status: criteria provided, single submitter. Criteria: Ambry Variant Classification Scheme 2023. Collection method: clinical testing. Allele origin: germline.
Comment: The p.M352R variant (also known as c.1055T>G), located in coding exon 6 of the FLCN gene, results from a T to G substitution at nucleotide position 1055. The methionine at codon 352 is replaced by arginine, an amino acid with similar properties. This variant was reported in individual(s) with features consistent with Birt-Hogg-Dube syndrome (Ambry internal data). This amino acid position is highly conserved in available vertebrate species. In addition, this alteration is predicted to be deleterious by in silico analysis. Based on the available evidence, the clinical significance of this variant remains unclear.

Mayo Clinic Laboratories, Mayo Clinic
Classification: Uncertain significance. Last evaluated: 2022-05-04. Review status: criteria provided, single submitter. Criteria: ACMG Guidelines, 2015. Collection method: clinical testing. Allele origin: germline. Observed: 1 variant allele.
Comment: PM2

NM_144997.7(FLCN):c.1055T>G (p.Met352Arg)

Gene: FLCN (folliculin; minus strand). Cytogenetic location: 17p11.2.
Variant type: single nucleotide variant.
Coding change: c.1055T>G on transcript NM_144997.7 (MANE Select); coding-DNA position 1055, T replaced by G.
Protein change: p.Met352Arg; replaces methionine 352 with arginine.
Molecular consequence: missense variant.
Genome position (GRCh38, 1-based): chr17:17,219,026, A>C on the plus strand (T>G on the coding strand, the complement: FLCN is on the minus strand). VCF-style: chr17-17219026-A-C. GRCh37 (hg19) VCF-style: chr17-17122340-A-C.
Other names: p.Met352Arg; c.1109T>G, p.Met370Arg (NM_001353229.2); c.1055T>G, p.Met352Arg (NM_001353230.2, NM_001353231.2); short protein forms M352R, M370R.
Identifiers: ClinVar variation 2683412 (VCV002683412.3), dbSNP rs2544193024, ClinGen allele CA398532626.